The following is an entry in ClinVar:

ClinVar aggregate classification (germline): Likely benign. Review status: criteria provided, single submitter (1 of 4 stars). 2 submissions from 2 submitters: Likely benign (1). 1 of the submissions does not count toward it. Last evaluated 2025-08-23.

Conditions:
PDSS1-related disorder. Also called: PDSS1-related condition.

Allele frequency attached by ClinVar (database versions not stated): gnomAD exomes 0.00001; ExAC 0.00002; gnomAD 0.00003 and 0.00004; TOPMed 0.00004.
gnomAD v4.1: 16 of 1,613,806 alleles (0.00099%); highest among the groups gnomAD compares: African/African-American, 0.0067%; no homozygotes.

Submissions (2):

Labcorp Genetics (formerly Invitae), Labcorp
Classification: Likely benign. Last evaluated: 2025-08-23. Review status: criteria provided, single submitter. Criteria: Invitae Variant Classification Sherloc (09022015). Collection method: clinical testing. Allele origin: germline.

PreventionGenetics, part of Exact Sciences
Classification: Likely benign for PDSS1-related condition. Last evaluated: 2019-06-21. Review status: no assertion criteria provided. Collection method: clinical testing. Allele origin: germline. Not counted in ClinVar's aggregate classification.
Comment: This variant is classified as likely benign based on ACMG/AMP sequence variant interpretation guidelines (Richards et al. 2015 PMID: 25741868, with internal and published modifications).

NM_014317.5(PDSS1):c.537C>T (p.His179=)

Gene: PDSS1 (decaprenyl diphosphate synthase subunit 1; plus strand). Cytogenetic location: 10p12.1.
Variant type: single nucleotide variant.
Coding change: c.537C>T on transcript NM_014317.5 (MANE Select); coding-DNA position 537, C replaced by T.
Protein change: p.His179=; no amino-acid change (histidine 179 retained).
Molecular consequence: synonymous variant.
Genome position (GRCh38, 1-based): chr10:26,720,287, C>T. VCF-style: chr10-26720287-C-T. GRCh37 (hg19) VCF-style: chr10-27009216-C-T.
Other names: c.537C>T, p.His179= (NM_001321978.2); c.27C>T, p.His9= (NM_001321979.2).
Identifiers: ClinVar variation 764183 (VCV000764183.9), dbSNP rs773495425, ClinGen allele CA5446955.